The following is an entry in ClinVar:

ClinVar aggregate classification (germline): Uncertain significance (1 of 4 stars; one submission).

Conditions:
Acrofacial dysostosis Cincinnati type. Identifiers: Orphanet 1200, MedGen C4225317, MONDO:0014651, OMIM 616462.

gnomAD v4.1: 13 of 1,580,106 alleles (0.00082%); highest among the groups gnomAD compares: African/African-American, 0.0014%; no homozygotes.

Submission:

Clinical Genomics Laboratory, Washington University in St. Louis
Classification: Uncertain significance for Acrofacial dysostosis Cincinnati type. Last evaluated: 2025-11-04. Review status: criteria provided, single submitter. Criteria: ACMG Guidelines, 2015. Collection method: clinical testing. Allele origin: germline.
Comment: The POLR1A c.1114C>T (p.Arg372*) variant, to our knowledge, has not been reported in the medical literature and is only observed on 13/1,580,106 alleles in the general population (gnomAD v4.1.0), indicating it is not a common variant. This variant causes a premature termination codon, which is predicted to lead to nonsense mediated decay. Due to limited information, and based on ACMG/AMP guidelines for variant interpretation (Richards S et al., PMID: 25741868), the clinical significance of this variant is uncertain at this time.

NM_015425.6(POLR1A):c.1114C>T (p.Arg372Ter)

Gene: POLR1A (RNA polymerase I subunit A; minus strand). Cytogenetic location: 2p11.2.
Variant type: single nucleotide variant.
Coding change: c.1114C>T on transcript NM_015425.6 (MANE Select); coding-DNA position 1114, C replaced by T.
Protein change: p.Arg372Ter; replaces arginine 372 with a stop codon.
Molecular consequence: nonsense.
Genome position (GRCh38, 1-based): chr2:86,078,257, G>A on the plus strand (C>T on the coding strand, the complement: POLR1A is on the minus strand). VCF-style: chr2-86078257-G-A. GRCh37 (hg19) VCF-style: chr2-86305380-G-A.
Other names: short protein forms R372*.
Identifiers: ClinVar variation 4879533 (VCV004879533.1).